The following is an entry in ClinVar:

NM_000245.4(MET):c.2770A>G (p.Ile924Val)

Gene: MET (MET proto-oncogene, receptor tyrosine kinase; plus strand). Cytogenetic location: 7q31.2.
Variant type: single nucleotide variant.
Coding change: c.2770A>G on transcript NM_000245.4 (MANE Select); coding-DNA position 2770, A replaced by G.
Protein change: p.Ile924Val; replaces isoleucine 924 with valine.
Molecular consequence: missense variant.
Genome position (GRCh38, 1-based): chr7:116,771,537, A>G. VCF-style: chr7-116771537-A-G. GRCh37 (hg19) VCF-style: chr7-116411591-A-G.
Other names: c.2824A>G (LRG_662t1); c.2824A>G, p.Ile942Val (NM_001127500.3); c.1480A>G, p.Ile494Val (NM_001324402.2); short protein forms I494V, I924V, I942V.
Identifiers: ClinVar variation 643870 (VCV000643870.12), dbSNP rs1247472138, ClinGen allele CA368986298.

ClinVar aggregate classification (germline): Uncertain significance. Review status: criteria provided, multiple submitters, no conflicts (2 of 4 stars). 2 submissions from 2 submitters: Uncertain significance (2). Last evaluated 2025-03-19.

Conditions:
Renal cell carcinoma. Identifiers: Orphanet 217071, MedGen C0007134, MeSH D002292, MONDO:0005086, HP:0005584.
Hereditary cancer-predisposing syndrome. Also called: Neoplastic Syndromes, Hereditary; Tumor predisposition; Hereditary neoplastic syndrome; Hereditary Cancer Syndrome. Identifiers: Orphanet 140162, MedGen C0027672, MeSH D009386, MONDO:0015356.

Allele frequency attached by ClinVar (database versions not stated): gnomAD exomes below 0.00001; TOPMed 0.00001.
gnomAD v4.1: 1 of 1,613,942 alleles (0.000062%); highest among the groups gnomAD compares: South Asian, 0.0011%; no homozygotes.

Submissions (2):

Labcorp Genetics (formerly Invitae), Labcorp
Classification: Uncertain significance for Renal cell carcinoma. Last evaluated: 2025-03-19. Review status: criteria provided, single submitter. Criteria: Invitae Variant Classification Sherloc (09022015). Collection method: clinical testing. Allele origin: germline.
Comment: This sequence change replaces isoleucine, which is neutral and non-polar, with valine, which is neutral and non-polar, at codon 942 of the MET protein (p.Ile942Val). This variant is not present in population databases (gnomAD no frequency). This variant has not been reported in the literature in individuals affected with MET-related conditions. ClinVar contains an entry for this variant (Variation ID: 643870). Invitae Evidence Modeling of protein sequence and biophysical properties (such as structural, functional, and spatial information, amino acid conservation, physicochemical variation, residue mobility, and thermodynamic stability) indicates that this missense variant is not expected to disrupt MET protein function with a negative predictive value of 80%. In summary, the available evidence is currently insufficient to determine the role of this variant in disease. Therefore, it has been classified as a Variant of Uncertain Significance.

Ambry Genetics
Classification: Uncertain significance for Hereditary cancer-predisposing syndrome. Last evaluated: 2023-06-08. Review status: criteria provided, single submitter. Criteria: Ambry Variant Classification Scheme 2023. Collection method: clinical testing. Allele origin: germline.
Comment: The p.I942V variant (also known as c.2824A>G), located in coding exon 12 of the MET gene, results from an A to G substitution at nucleotide position 2824. The isoleucine at codon 942 is replaced by valine, an amino acid with highly similar properties. This amino acid position is well conserved in available vertebrate species. In addition, this alteration is predicted to be tolerated by in silico analysis. Since supporting evidence is limited at this time, the clinical significance of this alteration remains unclear.